The following is an entry in ClinVar:

ClinVar aggregate classification (germline): Uncertain significance (1 of 4 stars; one submission).

Conditions:
Hereditary cancer-predisposing syndrome. Also called: Neoplastic Syndromes, Hereditary; Tumor predisposition; Hereditary Cancer Syndrome; Hereditary neoplastic syndrome. Identifiers: Orphanet 140162, MedGen C0027672, MeSH D009386, MONDO:0015356.

Submission:

Ambry Genetics
Classification: Uncertain significance for Hereditary cancer-predisposing syndrome. Last evaluated: 2025-12-10. Review status: criteria provided, single submitter. Criteria: Ambry Variant Classification Scheme 2023. Collection method: clinical testing. Allele origin: germline.
Comment: The p.M9L variant (also known as c.25A>T), located in coding exon 1 of the NF2 gene, results from an A to T substitution at nucleotide position 25. The methionine at codon 9 is replaced by leucine, an amino acid with highly similar properties. This amino acid position is conserved. In addition, the in silico prediction for this alteration is inconclusive. Based on the available evidence, the clinical significance of this variant remains unclear.

NM_000268.4(NF2):c.25A>T (p.Met9Leu)

Gene: NF2 (NF2, moesin-ezrin-radixin like (MERLIN) tumor suppressor; plus strand). Cytogenetic location: 22q12.2.
Variant type: single nucleotide variant.
Coding change: c.25A>T on transcript NM_000268.4 (MANE Select); coding-DNA position 25, A replaced by T.
Protein change: p.Met9Leu; replaces methionine 9 with leucine.
Molecular consequence: missense variant. On other transcripts: 5 prime UTR variant (4), non-coding transcript variant (1).
Genome position (GRCh38, 1-based): chr22:29,604,023, A>T. VCF-style: chr22-29604023-A-T. GRCh37 (hg19) VCF-style: chr22-30000012-A-T.
Other names: c.-206A>T (NM_001407053.1, NM_001407056.1); c.25A>T, p.Met9Leu (NM_001407054.1, NM_001407060.1, NM_001407062.1 and 15 more transcripts); c.-232A>T (NM_001407067.1); c.-616A>T (NM_001407065.1); short protein forms M9L.
Identifiers: ClinVar variation 4661663 (VCV004661663.1).
Genomic context (GRCh38, chr22:29,604,023, plus strand): 5'-GTGGGGCGCGAGGGTCCCGGGCCTGAGCCCCGCGCCATGGCCGGGGCCATCGCTTCCCGC[A>T]TGAGCTTCAGCTCTCTCAAGAGGAAGCAACCCAAGACGTTCACCGTGAGGATCGTCACCA-3'
Protein context (NP_000259.1, residues 1-19): MAGAIASR[Met9Leu]SFSSLKRKQP